The following is an entry in ClinVar:

ClinVar aggregate classification (germline): Likely benign. Review status: criteria provided, multiple submitters, no conflicts (2 of 4 stars). 7 submissions from 7 submitters: Likely benign (6). 1 of the submissions does not count toward it. Last evaluated 2026-01-12.

Conditions:
SZT2-related disorder. Also called: SZT2-related condition.
Inborn genetic diseases. Identifiers: MedGen C0950123, MeSH D030342.
Developmental and epileptic encephalopathy, 18 (DEE18). Also called: Early infantile epileptic encephalopathy 18. Identifiers: Orphanet 369894, MedGen C3809624, MONDO:0014201, OMIM 615476.

Allele frequency attached by ClinVar (database versions not stated): TOPMed 0.00010; gnomAD exomes 0.00011 and 0.00013; ExAC 0.00016; gnomAD 0.00019 and 0.00021.
gnomAD v4.1: 185 of 1,597,978 alleles (0.012%); highest among the groups gnomAD compares: Non-Finnish European, 0.0089%; no homozygotes.

Submissions (7):

Labcorp Genetics (formerly Invitae), Labcorp
Classification: Likely benign. Last evaluated: 2026-01-12. Review status: criteria provided, single submitter. Criteria: Invitae Variant Classification Sherloc (09022015). Collection method: clinical testing. Allele origin: germline.

CeGaT Center for Human Genetics Tuebingen
Classification: Likely benign. Last evaluated: 2025-12-01. Review status: criteria provided, single submitter. Criteria: CeGaT Center For Human Genetics Tuebingen Variant Classification Criteria Version 2. Collection method: clinical testing. Allele origin: germline. Affected: yes. Observed: 7 variant alleles.
Comment: SZT2: BP4, BP7

Women's Health and Genetics/Laboratory Corporation of America, LabCorp
Classification: Likely benign. Last evaluated: 2025-04-08. Review status: criteria provided, single submitter. Criteria: LabCorp Variant Classification Summary - May 2015. Collection method: clinical testing. Allele origin: germline.

Blueprint Genetics
Classification: Likely benign. Last evaluated: 2024-11-22. Review status: criteria provided, single submitter. Criteria: ACMG Guidelines, 2015. Collection method: clinical testing. Allele origin: germline.

Genome-Nilou Lab
Classification: Likely benign for Developmental and epileptic encephalopathy, 18. Last evaluated: 2023-04-11. Review status: criteria provided, single submitter. Criteria: ACMG Guidelines, 2015. Collection method: clinical testing. Allele origin: germline. Affected: no.

Ambry Genetics
Classification: Likely benign for Inborn genetic diseases. Last evaluated: 2017-10-20. Review status: criteria provided, single submitter. Criteria: Ambry Variant Classification Scheme 2023. Collection method: clinical testing. Allele origin: germline.

PreventionGenetics, part of Exact Sciences
Classification: Likely benign for SZT2-related condition. Last evaluated: 2019-07-16. Review status: no assertion criteria provided. Collection method: clinical testing. Allele origin: germline. Not counted in ClinVar's aggregate classification.
Comment: This variant is classified as likely benign based on ACMG/AMP sequence variant interpretation guidelines (Richards et al. 2015 PMID: 25741868, with internal and published modifications).

NM_001365999.1(SZT2):c.528T>C (p.Pro176=)

Gene: SZT2 (SZT2 subunit of KICSTOR complex; plus strand). Cytogenetic location: 1p34.2.
Variant type: single nucleotide variant.
Coding change: c.528T>C on transcript NM_001365999.1 (MANE Select); coding-DNA position 528, T replaced by C.
Protein change: p.Pro176=; no amino-acid change (proline 176 retained).
Molecular consequence: synonymous variant.
Genome position (GRCh38, 1-based): chr1:43,415,111, T>C. VCF-style: chr1-43415111-T-C. GRCh37 (hg19) VCF-style: chr1-43880782-T-C.
Other names: c.528T>C, p.Pro176= (NM_015284.4).
Identifiers: ClinVar variation 697778 (VCV000697778.53), dbSNP rs780340130, ClinGen allele CA808210.
Genomic context (GRCh38, chr1:43,415,111, plus strand): 5'-CCTGTCTCAGTCTTTCCCATGTGCTTCTTAGGTGCTGGTACAGGGCTGCCTCTTGGACCC[T>C]TCCCAGCGGGAGGTGTTCCTGCAGCAGATATATGAGCAGCTCTGCCTCTTTGAGGATAAG-3'
Protein context (NP_001352928.1, residues 166-186): QVLVQGCLLD[Pro176=]SQREVFLQQI